The following is an entry in ClinVar:

NM_017617.5(NOTCH1):c.3350A>G (p.Gln1117Arg)

Gene: NOTCH1 (notch receptor 1; minus strand). Cytogenetic location: 9q34.3.
Variant type: single nucleotide variant.
Coding change: c.3350A>G on transcript NM_017617.5 (MANE Select); coding-DNA position 3350, A replaced by G.
Protein change: p.Gln1117Arg; replaces glutamine 1117 with arginine.
Molecular consequence: missense variant.
Genome position (GRCh38, 1-based): chr9:136,508,115, T>C on the plus strand (A>G on the coding strand, the complement: NOTCH1 is on the minus strand). VCF-style: chr9-136508115-T-C. GRCh37 (hg19) VCF-style: chr9-139402567-T-C.
Other names: c.3350A>G, p.Gln1117Arg (LRG_1122t1); short protein forms Q1117R.
Identifiers: ClinVar variation 520095 (VCV000520095.15), dbSNP rs764816819, ClinGen allele CA5340948.

ClinVar aggregate classification (germline): Conflicting classifications of pathogenicity. Review status: criteria provided, conflicting classifications (1 of 4 stars). 4 submissions from 3 submitters: Uncertain significance (3); Likely benign (1). Last evaluated 2025-08-13.

Conditions:
Familial thoracic aortic aneurysm and aortic dissection (TAAD). Also called: Thoracic aortic aneurysms and dissections. Identifiers: Orphanet 91387, MedGen C4707243, MONDO:0019625.
Adams-Oliver syndrome 5 (AOS5). Identifiers: Orphanet 974, MedGen C4014970, MONDO:0014459, OMIM 616028.
Aortic valve disease 1 (AOVD1). Identifiers: MedGen C3887892, MONDO:0024523, OMIM 109730.

Allele frequency attached by ClinVar (database versions not stated): gnomAD exomes below 0.00001 and 0.00001; ExAC 0.00001; TOPMed 0.00002.
gnomAD v4.1: 7 of 1,608,584 alleles (0.00044%); highest among the groups gnomAD compares: African/African-American, 0.004%; no homozygotes.

Submissions (4):

Labcorp Genetics (formerly Invitae), Labcorp
Classification: Likely benign for Adams-Oliver syndrome 5. Last evaluated: 2025-08-13. Review status: criteria provided, single submitter. Criteria: Invitae Variant Classification Sherloc (09022015). Collection method: clinical testing. Allele origin: germline.

Genome-Nilou Lab
Classification: Uncertain significance for Adams-Oliver syndrome 5. Last evaluated: 2022-03-15. Review status: criteria provided, single submitter. Criteria: ACMG Guidelines, 2015. Collection method: clinical testing. Allele origin: germline. Affected: no.

Genome-Nilou Lab
Classification: Uncertain significance for Aortic valve disease 1. Last evaluated: 2022-03-15. Review status: criteria provided, single submitter. Criteria: ACMG Guidelines, 2015. Collection method: clinical testing. Allele origin: germline. Affected: no.

Ambry Genetics
Classification: Uncertain significance for Familial thoracic aortic aneurysm and aortic dissection. Last evaluated: 2017-12-01. Review status: criteria provided, single submitter. Criteria: Ambry Variant Classification Scheme 2023. Collection method: clinical testing. Allele origin: germline.
Comment: The p.Q1117R variant (also known as c.3350A>G), located in coding exon 21 of the NOTCH1 gene, results from an A to G substitution at nucleotide position 3350. The glutamine at codon 1117 is replaced by arginine, an amino acid with highly similar properties. This amino acid position is poorly conserved in available vertebrate species, and arginine is the reference amino acid in other vertebrate species. In addition, this alteration is predicted to be tolerated by in silico analysis. Since supporting evidence is limited at this time, the clinical significance of this alteration remains unclear.